The following is an entry in ClinVar:

ClinVar aggregate classification (germline): Likely pathogenic. Review status: criteria provided, single submitter (1 of 4 stars). 3 submissions from 3 submitters: Likely pathogenic (1). 2 of the submissions do not count toward it. Last evaluated 2023-06-29.

Conditions:
Aneurysm-osteoarthritis syndrome. Also called: SMAD3-Related Loeys-Dietz Syndrome; LOEYS-DIETZ SYNDROME WITH OSTEOARTHRITIS; Loeys-Dietz syndrome, type 1C; ANEURYSMS-OSTEOARTHRITIS SYNDROME. Identifiers: Orphanet 284984, MedGen C3151087, MONDO:0013426, OMIM 613795.

Submissions (3):

MVZ Medizinische Genetik Mainz
Classification: Likely pathogenic for Aneurysm-osteoarthritis syndrome. Last evaluated: 2023-06-29. Review status: criteria provided, single submitter. Criteria: UK Practice Guidelines For Variant Classification V4 01 2020. Collection method: clinical testing. Allele origin: germline. Inheritance: Autosomal dominant inheritance. Affected: yes. Observed: 1 variant allele.
Comment: ACMG Criteria: PP3_STR,PM5,PS4_SUP,PM2_SUP,PP2

Clinical Genetics DNA and cytogenetics Diagnostics Lab, Erasmus MC, Erasmus Medical Center
Classification: Uncertain significance. Review status: no assertion criteria provided. Collection method: clinical testing. Allele origin: germline. Affected: yes. Study: VKGL Data-share Consensus. Not counted in ClinVar's aggregate classification.

Genome Diagnostics Laboratory, Amsterdam University Medical Center
Classification: Uncertain significance. Review status: no assertion criteria provided. Collection method: clinical testing. Allele origin: germline. Affected: yes. Study: VKGL Data-share Consensus. Not counted in ClinVar's aggregate classification.

NM_005902.4(SMAD3):c.728G>C (p.Arg243Pro)

Gene: SMAD3 (SMAD family member 3; plus strand). Cytogenetic location: 15q22.33.
Variant type: single nucleotide variant.
Coding change: c.728G>C on transcript NM_005902.4 (MANE Select); coding-DNA position 728, G replaced by C.
Protein change: p.Arg243Pro; replaces arginine 243 with proline.
Molecular consequence: missense variant.
Genome position (GRCh38, 1-based): chr15:67,181,310, G>C. VCF-style: chr15-67181310-G-C. GRCh37 (hg19) VCF-style: chr15-67473648-G-C.
Other names: c.413G>C, p.Arg138Pro (NM_001145102.2); c.596G>C, p.Arg199Pro (NM_001145103.2); c.143G>C, p.Arg48Pro (NM_001145104.2); short protein forms R138P, R199P, R243P, R48P.
Identifiers: ClinVar variation 1209967 (VCV001209967.3), dbSNP rs863223736, ClinGen allele CA392956077.